The following is an entry in ClinVar:

NM_015047.3(EMC1):c.473G>T (p.Ser158Ile)

Gene: EMC1 (ER membrane protein complex subunit 1; minus strand). Cytogenetic location: 1p36.13.
Variant type: single nucleotide variant.
Coding change: c.473G>T on transcript NM_015047.3 (MANE Select); coding-DNA position 473, G replaced by T.
Protein change: p.Ser158Ile; replaces serine 158 with isoleucine.
Molecular consequence: missense variant.
Genome position (GRCh38, 1-based): chr1:19,242,381, C>A on the plus strand (G>T on the coding strand, the complement: EMC1 is on the minus strand). VCF-style: chr1-19242381-C-A. GRCh37 (hg19) VCF-style: chr1-19568875-C-A.
Other names: c.473G>T, p.Ser158Ile (NM_001271427.2, NM_001271428.2, NM_001375820.1 and 1 more transcripts); c.407G>T, p.Ser136Ile (NM_001271429.2); short protein forms S136I, S158I.
Identifiers: ClinVar variation 3728404 (VCV003728404.2).
Genomic context (GRCh38, chr1:19,242,381, plus strand): 5'-TTGCCTGTGAGCAGGCAGCCTTACCTTTCTGGGAGATGTTCCACCCACTTGAGGTGCCCA[C>A]TGGAGAGGTGATGGAGGGCAAGTGTAGTCTTCTTCAGGACTGCGATGTACCTTACAGACT-3'
Protein context (NP_055862.1, residues 148-168): KTTLALHHLS[Ser158Ile]GHLKWVEHLP

ClinVar aggregate classification (germline): Uncertain significance (1 of 4 stars; one submission).

Submission:

Labcorp Genetics (formerly Invitae), Labcorp
Classification: Uncertain significance. Last evaluated: 2024-11-23. Review status: criteria provided, single submitter. Criteria: Invitae Variant Classification Sherloc (09022015). Collection method: clinical testing. Allele origin: germline.
Comment: This sequence change replaces serine, which is neutral and polar, with isoleucine, which is neutral and non-polar, at codon 158 of the EMC1 protein (p.Ser158Ile). This variant is present in population databases (no rsID available, gnomAD 0.007%). This variant has not been reported in the literature in individuals affected with EMC1-related conditions. Invitae Evidence Modeling of protein sequence and biophysical properties (such as structural, functional, and spatial information, amino acid conservation, physicochemical variation, residue mobility, and thermodynamic stability) indicates that this missense variant is expected to disrupt EMC1 protein function with a positive predictive value of 80%. In summary, the available evidence is currently insufficient to determine the role of this variant in disease. Therefore, it has been classified as a Variant of Uncertain Significance.